The following is an entry in ClinVar:

Single allele

Genes: ARL10 (ARF like GTPase 10; plus strand), B4GALT7 (beta-1,4-galactosyltransferase 7; plus strand), CDHR2 (cadherin related family member 2; plus strand), CLTB (clathrin light chain B; minus strand), DBN1 (drebrin 1; minus strand) and 33 more. Cytogenetic location: 5q35.2-35.3.
Variant type: Deletion.
Identifiers: ClinVar variation 2671584 (VCV002671584.1).

ClinVar aggregate classification (germline): Pathogenic (1 of 4 stars; one submission).

Submission:

Illumina Laboratory Services, Illumina
Classification: Pathogenic. Last evaluated: 2023-09-01. Review status: criteria provided, single submitter. Criteria: ICSL CNVClassificationCriteria Aug2020. Collection method: clinical testing. Allele origin: unknown.
Comment: This CNV is a 1.87 Mb deletion of 5q35.2q35.3 on chromosome 5, (seq[GRCh37]del(5)(q35.2q35.3);NC_000005.9:g.175559209_ 177430432del), that occurred de novo. This event is located near the q terminus of chromosome 5 but does not extend to the telomere. This CNV encompasses 38 protein coding genes, including NSD1, DDX41, and SLC34A1. Haploinsufficiency of NSD1 is a known cause of Sotos syndrome (PMID: 11896389; 17565729; 20301652; 23190751). Microdeletions of 5q35.2q35.3 involving NSD1 have been especially frequently observed in Japanese patients with Sotos syndrome (PMID: 14517949; 20301652). Similar CNVs have not been reported in controls (PMID: 21841781; 24174537). This CNV also encompasses the DDX41 gene, haploinsufficiency of which is associated with DDX41-related hematologic malignancy predisposition syndrome. Based on the available evidence, this CNV is classified as pathogenic.